The following is an entry in ClinVar:

NM_003482.4(KMT2D):c.2234C>A (p.Pro745His)

Gene: KMT2D (lysine methyltransferase 2D; minus strand). Cytogenetic location: 12q13.12.
Variant type: single nucleotide variant.
Coding change: c.2234C>A on transcript NM_003482.4 (MANE Select); coding-DNA position 2234, C replaced by A.
Protein change: p.Pro745His; replaces proline 745 with histidine.
Molecular consequence: missense variant.
Genome position (GRCh38, 1-based): chr12:49,051,449, G>T on the plus strand (C>A on the coding strand, the complement: KMT2D is on the minus strand). VCF-style: chr12-49051449-G-T. GRCh37 (hg19) VCF-style: chr12-49445232-G-T.
Other names: short protein forms P745H.
Identifiers: ClinVar variation 1949854 (VCV001949854.5), dbSNP rs2120670275, ClinGen allele CA384667348.
Genomic context (GRCh38, chr12:49,051,449, plus strand): 5'-GCCTGCGGAGATAGGTGTGGCTCCTCAGGCCGGGGGGACAGGTGCGGCTCCTCAGGCCGG[G>T]GTGACAGGTGCGGCCCCTCGGACCGGGGGCAGAGTTGCGGCTCCTCAGGTAGTGGCAACA-3'
Protein context (NP_003473.3, residues 735-755): CPRSEGPHLS[Pro745His]RPEEPHLSPR

ClinVar aggregate classification (germline): Uncertain significance (1 of 4 stars; one submission).

Conditions:
Kabuki syndrome. Also called: Kabuki make-up syndrome; NIIKAWA-KUROKI SYNDROME. Identifiers: Orphanet 2322, MedGen C0796004, MONDO:0016512.

Allele frequency attached by ClinVar (database versions not stated): gnomAD exomes below 0.00001.

Submission:

Labcorp Genetics (formerly Invitae), Labcorp
Classification: Uncertain significance for Kabuki syndrome. Last evaluated: 2022-10-14. Review status: criteria provided, single submitter. Criteria: Invitae Variant Classification Sherloc (09022015). Collection method: clinical testing. Allele origin: germline.
Comment: Advanced modeling of protein sequence and biophysical properties (such as structural, functional, and spatial information, amino acid conservation, physicochemical variation, residue mobility, and thermodynamic stability) performed at Invitae indicates that this missense variant is not expected to disrupt KMT2D protein function. In summary, the available evidence is currently insufficient to determine the role of this variant in disease. Therefore, it has been classified as a Variant of Uncertain Significance. This variant has not been reported in the literature in individuals affected with KMT2D-related conditions. This sequence change replaces proline, which is neutral and non-polar, with histidine, which is basic and polar, at codon 745 of the KMT2D protein (p.Pro745His). This variant is not present in population databases (gnomAD no frequency).